The following is an entry in ClinVar:

NM_139058.3(ARX):c.150G>C (p.Leu50Phe)

Gene: ARX (aristaless related homeobox; minus strand). Cytogenetic location: Xp21.3.
Variant type: single nucleotide variant.
Coding change: c.150G>C on transcript NM_139058.3 (MANE Select); coding-DNA position 150, G replaced by C.
Protein change: p.Leu50Phe; replaces leucine 50 with phenylalanine.
Molecular consequence: missense variant.
Genome position (GRCh38, 1-based): chrX:25,015,588, C>G on the plus strand (G>C on the coding strand, the complement: ARX is on the minus strand). VCF-style: chrX-25015588-C-G. GRCh37 (hg19) VCF-style: chrX-25033705-C-G.
Other names: short protein forms L50F.
Identifiers: ClinVar variation 1309137 (VCV001309137.2), dbSNP rs2147325401, ClinGen allele CA412613789.

ClinVar aggregate classification (germline): Uncertain significance (1 of 4 stars; one submission).

Submission:

GeneDx
Classification: Uncertain significance. Last evaluated: 2019-10-20. Review status: criteria provided, single submitter. Criteria: GeneDx Variant Classification Process June 2021. Collection method: clinical testing. Allele origin: germline. Affected: yes.
Comment: Not observed in large population cohorts (Lek et al., 2016); In silico analysis, which includes protein predictors and evolutionary conservation, supports that this variant does not alter protein structure/function; Has not been previously published as pathogenic or benign to our knowledge